The following is an entry in ClinVar:

NM_000528.4(MAN2B1):c.1199G>A (p.Arg400His)

Gene: MAN2B1 (mannosidase alpha class 2B member 1; minus strand). Cytogenetic location: 19p13.13.
Variant type: single nucleotide variant.
Coding change: c.1199G>A on transcript NM_000528.4 (MANE Select); coding-DNA position 1199, G replaced by A.
Protein change: p.Arg400His; replaces arginine 400 with histidine.
Molecular consequence: missense variant.
Genome position (GRCh38, 1-based): chr19:12,658,255, C>T on the plus strand (G>A on the coding strand, the complement: MAN2B1 is on the minus strand). VCF-style: chr19-12658255-C-T. GRCh37 (hg19) VCF-style: chr19-12769069-C-T.
Other names: c.1196G>A, p.Arg399His (NM_001173498.2); c.1199G>A (NM_000528.3); short protein forms R400H, R399H.
Identifiers: ClinVar variation 2164493 (VCV002164493.5), dbSNP rs755997325, ClinGen allele CA9226551.

ClinVar aggregate classification (germline): Uncertain significance. Review status: criteria provided, single submitter (1 of 4 stars). 2 submissions from 2 submitters: Uncertain significance (1). 1 of the submissions does not count toward it. Last evaluated 2023-07-07.

Conditions:
Deficiency of alpha-mannosidase (MANSA). Also called: Mannosidosis, alpha-, types I and II; LYSOSOMAL ALPHA-D-MANNOSIDASE DEFICIENCY; Alpha-Mannosidosis. Identifiers: Orphanet 61, MedGen C0024748, MONDO:0009561, OMIM 248500.

Allele frequency attached by ClinVar (database versions not stated): gnomAD exomes 0.00001; ExAC 0.00002.
gnomAD v4.1: 6 of 1,614,116 alleles (0.00037%); highest among the groups gnomAD compares: South Asian, 0.0033%; no homozygotes.

Submissions (2):

Labcorp Genetics (formerly Invitae), Labcorp
Classification: Uncertain significance for Deficiency of alpha-mannosidase. Last evaluated: 2023-07-07. Review status: criteria provided, single submitter. Criteria: Invitae Variant Classification Sherloc (09022015). Collection method: clinical testing. Allele origin: germline.
Comment: This sequence change replaces arginine, which is basic and polar, with histidine, which is basic and polar, at codon 400 of the MAN2B1 protein (p.Arg400His). This variant is present in population databases (rs755997325, gnomAD 0.006%). This variant has not been reported in the literature in individuals affected with MAN2B1-related conditions. ClinVar contains an entry for this variant (Variation ID: 2164493). Advanced modeling of protein sequence and biophysical properties (such as structural, functional, and spatial information, amino acid conservation, physicochemical variation, residue mobility, and thermodynamic stability) performed at Invitae indicates that this missense variant is not expected to disrupt MAN2B1 protein function. In summary, the available evidence is currently insufficient to determine the role of this variant in disease. Therefore, it has been classified as a Variant of Uncertain Significance.

Natera, Inc.
Classification: Uncertain significance for Alpha-mannosidosis. Last evaluated: 2025-01-24. Review status: no assertion criteria provided. Collection method: clinical testing. Allele origin: germline. Not counted in ClinVar's aggregate classification.